The following is an entry in ClinVar:

NM_000257.4(MYH7):c.194_201+26delinsGACT

Gene: MYH7 (myosin heavy chain 7; minus strand). Cytogenetic location: 14q11.2.
Variant type: Indel.
Coding change: c.194_201+26delinsGACT on transcript NM_000257.4 (MANE Select); coding-DNA position 194 through 26 bases into the intron after coding-DNA position 201, the reference bases replaced by GACT.
Molecular consequence: splice donor variant.
Genome position (GRCh38, 1-based): chr14:23,433,506-23,433,539, 34 bases replaced. GRCh37 (hg19): chr14:23,902,715-23,902,748.
Other names: c.194_201+26del34insGACT (NM_000257.4).
Identifiers: ClinVar variation 1783045 (VCV001783045.2), dbSNP rs2502321906, ClinGen allele CA2580088037.

ClinVar aggregate classification (germline): Uncertain significance (1 of 4 stars; one submission).

Conditions:
Cardiovascular phenotype. Identifiers: MedGen CN230736.

Submission:

Ambry Genetics
Classification: Uncertain significance for Cardiovascular phenotype. Last evaluated: 2020-09-10. Review status: criteria provided, single submitter. Criteria: Ambry Variant Classification Scheme 2023. Collection method: clinical testing. Allele origin: germline.
Comment: The c.194_201+26del34insGACT variant results from a deletion of 34 nucleotides and insertion of 4 nucleotides at positions 194 to 201+26 and involves the canonical splice donor site after coding exon 1 of the MYH7 gene. The canonical splice donor site is highly conserved in available vertebrate species. Using the BDGP and ESEfinder splice site prediction tools, this alteration is predicted to abolish the native donor splice site; however, direct evidence is unavailable. Alterations that disrupt the canonical splice site are expected to cause aberrant splicing, resulting in an abnormal protein or a transcript that is subject to nonsense-mediated mRNA decay. However, loss of function of MYH7 has not been clearly established as a mechanism of disease. Since supporting evidence is limited at this time, the clinical significance of this alteration remains unclear.